The following is an entry in ClinVar:

NM_138694.4(PKHD1):c.9532G>A (p.Gly3178Ser)

Gene: PKHD1 (PKHD1 ciliary IPT domain containing fibrocystin/polyductin; minus strand). Cytogenetic location: 6p12.3.
Variant type: single nucleotide variant.
Coding change: c.9532G>A on transcript NM_138694.4 (MANE Select); coding-DNA position 9532, G replaced by A.
Protein change: p.Gly3178Ser; replaces glycine 3178 with serine.
Molecular consequence: missense variant.
Genome position (GRCh38, 1-based): chr6:51,748,084, C>T on the plus strand (G>A on the coding strand, the complement: PKHD1 is on the minus strand). VCF-style: chr6-51748084-C-T. GRCh37 (hg19) VCF-style: chr6-51612882-C-T.
Other names: c.9532G>A, p.Gly3178Ser (NM_170724.3); short protein forms G3178S.
Identifiers: ClinVar variation 3896477 (VCV003896477.2).

ClinVar aggregate classification (germline): Uncertain significance (1 of 4 stars; one submission).

gnomAD v4.1: 5 of 1,613,748 alleles (0.00031%); highest among the groups gnomAD compares: Non-Finnish European, 0.00042%; no homozygotes.

Submission:

Women's Health and Genetics/Laboratory Corporation of America, LabCorp
Classification: Uncertain significance. Last evaluated: 2025-04-04. Review status: criteria provided, single submitter. Criteria: LabCorp Variant Classification Summary - May 2015. Collection method: clinical testing. Allele origin: germline.
Comment: Variant summary: PKHD1 c.9532G>A (p.Gly3178Ser) results in a non-conservative amino acid change in the encoded protein sequence. Five of five in-silico tools predict a damaging effect of the variant on protein function. The variant was absent in 250864 control chromosomes. The available data on variant occurrences in the general population are insufficient to allow any conclusion about variant significance. To our knowledge, no occurrence of c.9532G>A in individuals affected with Polycystic Kidney And Hepatic Disease and no experimental evidence demonstrating its impact on protein function have been reported. No submitters have cited clinical-significance assessments for this variant to ClinVar. Based on the evidence outlined above, the variant was classified as uncertain significance.